The following is an entry in ClinVar:

NM_001032386.2(SUOX):c.794C>A (p.Ala265Asp)

Gene: SUOX (sulfite oxidase; plus strand). Cytogenetic location: 12q13.2.
Variant type: single nucleotide variant.
Coding change: c.794C>A on transcript NM_001032386.2 (MANE Select); coding-DNA position 794, C replaced by A.
Protein change: p.Ala265Asp; replaces alanine 265 with aspartic acid.
Molecular consequence: missense variant.
Genome position (GRCh38, 1-based): chr12:56,004,183, C>A. VCF-style: chr12-56004183-C-A. GRCh37 (hg19) VCF-style: chr12-56397967-C-A.
Other names: ALA208ASP; A208D; c.794C>A, p.Ala265Asp (NM_000456.3, NM_001032387.2); short protein forms A265D.
Identifiers: ClinVar variation 3821 (VCV000003821.11), dbSNP rs121908008, ClinGen allele CA116470.

ClinVar aggregate classification (germline): Uncertain significance. Review status: criteria provided, single submitter (1 of 4 stars). 3 submissions from 3 submitters: Uncertain significance (1). 2 of the submissions do not count toward it. Last evaluated 2021-03-15.

Conditions:
Sulfite oxidase deficiency. Also called: Isolated sulfite oxidase deficiency. Identifiers: Orphanet 833, Orphanet 99731, MedGen C0268624, MONDO:0010089, OMIM 272300, HP:0003643.

gnomAD v4.1: 61 of 1,614,102 alleles (0.0038%); highest among the groups gnomAD compares: Non-Finnish European, 0.0052%; no homozygotes.

Submissions (3):

Labcorp Genetics (formerly Invitae), Labcorp
Classification: Uncertain significance for Sulfite oxidase deficiency. Last evaluated: 2021-03-15. Review status: criteria provided, single submitter. Criteria: Invitae Variant Classification Sherloc (09022015). Collection method: clinical testing. Allele origin: germline.
Comment: In summary, the available evidence is currently insufficient to determine the role of this variant in disease. Therefore, it has been classified as a Variant of Uncertain Significance. Algorithms developed to predict the effect of missense changes on protein structure and function are either unavailable or do not agree on the potential impact of this missense change (SIFT: "Deleterious"; PolyPhen-2: "Probably Damaging"; Align-GVGD: "Class C15"). This variant has been observed in individual(s) with sulfite oxidase deficiency (PMID: 10519592, 9428520). This variant is also known as c.623C>A (p.Ala208Asp). ClinVar contains an entry for this variant (Variation ID: 3821). This variant is not present in population databases (ExAC no frequency). This sequence change replaces alanine with aspartic acid at codon 265 of the SUOX protein (p.Ala265Asp). The alanine residue is highly conserved and there is a moderate physicochemical difference between alanine and aspartic acid.

OMIM
Classification: Pathogenic for SULFITE OXIDASE DEFICIENCY, ISOLATED. Last evaluated: 1997-12-26. Review status: no assertion criteria provided. Collection method: literature only. Allele origin: germline. Not counted in ClinVar's aggregate classification.

GeneReviews
No classification provided. Condition: Sulfite oxidase deficiency. Review status: no classification provided. Collection method: literature only. Allele origin: germline. Not counted in ClinVar's aggregate classification.

Literature cited by the submitters: PubMed 10519592 (cited by Labcorp Genetics (formerly Invitae), Labcorp); PubMed 9428520 (cited by Labcorp Genetics (formerly Invitae), Labcorp and OMIM); NCBI Bookshelf NBK453433 (cited by GeneReviews); PubMed 28933809 (cited by GeneReviews).